The following is an entry in ClinVar:

ClinVar aggregate classification (germline): Pathogenic. Review status: criteria provided, single submitter (1 of 4 stars). 2 submissions from 2 submitters: Pathogenic (1). 1 of the submissions does not count toward it. Last evaluated 2021-03-22.

Conditions:
Familial cancer of breast. Also called: hereditary breast carcinoma; BREAST CANCER, FAMILIAL; Hereditary breast cancer. Identifiers: Orphanet 227535, MedGen C0346153, MONDO:0016419, OMIM 114480. Disease mechanism: loss of function.
Hereditary breast ovarian cancer syndrome. Also called: BRCA1- and BRCA2-Associated Hereditary Breast and Ovarian Cancer; Hereditary breast and ovarian cancer syndrome; Hereditary breast and ovarian cancer syndrome (HBOC); Breast and ovarian cancer; Hereditary breast and/or ovarian cancer syndrome; Hereditary breast and ovarian cancer. Identifiers: Orphanet 145, MedGen C0677776, MeSH D061325, MONDO:0003582. Disease mechanism: loss of function.

Submissions (3):

Labcorp Genetics (formerly Invitae), Labcorp
Classification: Pathogenic for Hereditary breast ovarian cancer syndrome. Last evaluated: 2021-03-22. Review status: criteria provided, single submitter. Criteria: Invitae Variant Classification Sherloc (09022015). Collection method: clinical testing. Allele origin: germline.
Comment: This variant has been observed in individual(s) with breast cancer (PMID: 10644434). This variant is also known as c.5272-1G>T. ClinVar contains an entry for this variant (Variation ID: 55430). For these reasons, this variant has been classified as Pathogenic. Algorithms developed to predict the effect of sequence changes on RNA splicing suggest that this variant may disrupt the consensus splice site, but this prediction has not been confirmed by published transcriptional studies. Experimental studies have shown that this variant affects BRCA1 protein function (PMID: 30209399). This variant is not present in population databases (ExAC no frequency). This sequence change affects an acceptor splice site in intron 17 of the BRCA1 gene. It is expected to disrupt RNA splicing. Variants that disrupt the donor or acceptor splice site typically lead to a loss of protein function (PMID: 16199547), and loss-of-function variants in BRCA1 are known to be pathogenic (PMID: 20104584).

Brotman Baty Institute, University of Washington
No classification provided (evidence only). Condition: Breast-ovarian cancer, familial 1. Review status: no classification provided. Collection method: in vitro. Allele origin: not applicable. Functional consequence: functionally_abnormal. Not counted in ClinVar's aggregate classification.
ClinVar note: "not provided" was previously submitted as the classification for the variant. However, the classification appeared to be based only on an observation of functional data so it was converted to no classification on 2025-07-30.

ClinVar Staff, National Center for Biotechnology Information (NCBI)
No classification provided. Condition: Familial cancer of breast. Review status: no classification provided. Collection method: literature only. Allele origin: germline. Affected: yes. Not counted in ClinVar's aggregate classification.

Literature cited by the submitters: PubMed 10644434 (cited by Labcorp Genetics (formerly Invitae), Labcorp and ClinVar Staff, National Center for Biotechnology Information (NCBI)); PubMed 30209399 (cited by Labcorp Genetics (formerly Invitae), Labcorp); PubMed 16199547 (cited by Labcorp Genetics (formerly Invitae), Labcorp); PubMed 20104584 (cited by Labcorp Genetics (formerly Invitae), Labcorp).

NM_007294.4(BRCA1):c.5153-1G>T

Gene: BRCA1 (BRCA1 DNA repair associated; minus strand). Cytogenetic location: 17q21.31.
Variant type: single nucleotide variant.
Coding change: c.5153-1G>T on transcript NM_007294.4 (MANE Select); the canonical splice acceptor site of the intron before coding-DNA position 5153, G replaced by T.
Molecular consequence: splice acceptor variant.
Genome position (GRCh38, 1-based): chr17:43,063,374, C>A on the plus strand (G>T on the coding strand, the complement: BRCA1 is on the minus strand). VCF-style: chr17-43063374-C-A. GRCh37 (hg19) VCF-style: chr17-41215391-C-A.
Other names: c.5024-1G>T (NM_001407685.1, NM_001407688.1, NM_001407682.1 and 6 more transcripts); c.5027-1G>T (NM_001407940.1, NM_001407671.1, NM_001407676.1 and 10 more transcripts); c.5093-1G>T (NM_001407649.1); c.1838-1G>T (NM_001408401.1, NM_001408396.1, NM_001408404.1 and 8 more transcripts); c.1841-1G>T (NM_001407985.1, NM_001408472.1, NM_001407990.1 and 12 more transcripts); c.5144-1G>T (NM_001407644.1, NM_001407645.1); c.5147-1G>T (NM_001407627.1, NM_001407861.1, NM_001407635.1 and 14 more transcripts); c.5150-1G>T (NM_001407614.1, NM_001407626.1, NM_001407617.1 and 17 more transcripts); and 72 more.
Identifiers: ClinVar variation 55430 (VCV000055430.13), dbSNP rs80358137, ClinGen allele CA003298.